The following is an entry in ClinVar:

ClinVar aggregate classification (germline): Benign. Review status: criteria provided, multiple submitters, no conflicts (2 of 4 stars). 2 submissions from 2 submitters: Benign (2). Last evaluated 2018-01-12.

Conditions:
Weill-Marchesani 4 syndrome, recessive. Also called: Weill-Marchesani syndrome 4. Identifiers: Orphanet 363992, MedGen C2750787, MONDO:0013176, OMIM 613195.

Allele frequency attached by ClinVar (database versions not stated): gnomAD exomes 0.05036; gnomAD 0.06056; 1000 Genomes Project 0.06170; TOPMed 0.06202; 1000 Genomes Project 30x 0.06433.
gnomAD v4.1: 13,924 of 236,058 alleles (5.9%); highest among the groups gnomAD compares: Admixed American, 12%; 487 homozygotes.

Submissions (2):

Illumina Laboratory Services, Illumina
Classification: Benign for Weill-Marchesani 4 syndrome, recessive. Last evaluated: 2018-01-12. Review status: criteria provided, single submitter. Criteria: ICSL Variant Classification Criteria 13 December 2019. Collection method: clinical testing. Allele origin: germline.
Comment: This variant was observed in the ICSL laboratory as part of a predisposition screen in an ostensibly healthy population. It had not been previously curated by ICSL or reported in the Human Gene Mutation Database (HGMD: prior to June 1st, 2018), and was therefore a candidate for classification through an automated scoring system. Utilizing variant allele frequency, disease prevalence and penetrance estimates, and inheritance mode, an automated score was calculated to assess if this variant is too frequent to cause the disease. Based on the score and internal cut-off values, a variant classified as benign is not then subjected to further curation. The score for this variant resulted in a classification of benign for this disease.

Breakthrough Genomics
Classification: Benign. Review status: criteria provided, single submitter. Criteria: ACMG Guidelines, 2015. Collection method: not provided. Allele origin: germline. Inheritance: Autosomal recessive inheritance. Affected: yes.

NM_139057.4(ADAMTS17):c.*486G>A

Gene: ADAMTS17 (ADAM metallopeptidase with thrombospondin type 1 motif 17; minus strand). Cytogenetic location: 15q26.3.
Variant type: single nucleotide variant.
Coding change: c.*486G>A on transcript NM_139057.4 (MANE Select); 486 bases downstream of the stop codon, G replaced by A.
Molecular consequence: 3 prime UTR variant.
Genome position (GRCh38, 1-based): chr15:99,973,916, C>T on the plus strand (G>A on the coding strand, the complement: ADAMTS17 is on the minus strand). VCF-style: chr15-99973916-C-T. GRCh37 (hg19) VCF-style: chr15-100514121-C-T.
Identifiers: ClinVar variation 315226 (VCV000315226.6), dbSNP rs117381111, ClinGen allele CA10647674.